The following is an entry in ClinVar:

NM_003611.3(OFD1):c.2450C>T (p.Ala817Val)

Gene: OFD1 (OFD1 centriole and centriolar satellite protein; plus strand). Cytogenetic location: Xp22.2.
Variant type: single nucleotide variant.
Coding change: c.2450C>T on transcript NM_003611.3 (MANE Select); coding-DNA position 2450, C replaced by T.
Protein change: p.Ala817Val; replaces alanine 817 with valine.
Molecular consequence: missense variant.
Genome position (GRCh38, 1-based): chrX:13,762,406, C>T. VCF-style: chrX-13762406-C-T. GRCh37 (hg19) VCF-style: chrX-13780525-C-T.
Other names: c.2330C>T, p.Ala777Val (NM_001330209.2); c.2030C>T, p.Ala677Val (NM_001330210.2); short protein forms A777V, A677V, A817V.
Identifiers: ClinVar variation 2929034 (VCV002929034.4), dbSNP rs142703521, ClinGen allele CA10352009.

ClinVar aggregate classification (germline): Uncertain significance. Review status: criteria provided, multiple submitters, no conflicts (2 of 4 stars). 2 submissions from 2 submitters: Uncertain significance (2). Last evaluated 2024-05-18.

Conditions:
Joubert syndrome. Also called: CEREBELLOPARENCHYMAL DISORDER IV; JOUBERT-BOLTSHAUSER SYNDROME; Familial aplasia of the vermis. Identifiers: Orphanet 475, MedGen C5979921, MONDO:0018772.
Orofaciodigital syndrome I (OFD1). Also called: OFDS I; Papillon-Leage and Psaume Syndrome; Oral-Facial-Digital Syndrome Type I. Identifiers: Orphanet 2750, MedGen C1510460, MONDO:0010702, OMIM 311200.
Simpson-Golabi-Behmel syndrome type 2. Identifiers: Orphanet 79022, MedGen C1846175, MONDO:0010265, OMIM 300209.
Joubert syndrome 10 (JBTS10). Identifiers: Orphanet 2754, MedGen C2749019, MONDO:0010431, OMIM 300804.
Retinitis pigmentosa 23 (RP23). Identifiers: Orphanet 791, MedGen C1419610, MONDO:0010320, OMIM 300424.

Allele frequency attached by ClinVar (database versions not stated): ExAC 0.00001; ESP Exome Variant Server 0.00009.
gnomAD v4.1: 11 of 1,196,855 alleles (0.00092%); highest among the groups gnomAD compares: Non-Finnish European, 0.0012%; no homozygotes.

Submissions (2):

Fulgent Genetics
Classification: Uncertain significance for Simpson-Golabi-Behmel syndrome type 2; Retinitis pigmentosa 23; Joubert syndrome 10; Orofaciodigital syndrome I. Last evaluated: 2024-05-18. Review status: criteria provided, single submitter. Criteria: ACMG Guidelines, 2015. Collection method: clinical testing. Allele origin: germline.

Labcorp Genetics (formerly Invitae), Labcorp
Classification: Uncertain significance for Orofaciodigital syndrome I; Joubert syndrome. Last evaluated: 2023-06-11. Review status: criteria provided, single submitter. Criteria: Invitae Variant Classification Sherloc (09022015). Collection method: clinical testing. Allele origin: germline.
Comment: Advanced modeling of protein sequence and biophysical properties (such as structural, functional, and spatial information, amino acid conservation, physicochemical variation, residue mobility, and thermodynamic stability) performed at Invitae indicates that this missense variant is not expected to disrupt OFD1 protein function. In summary, the available evidence is currently insufficient to determine the role of this variant in disease. Therefore, it has been classified as a Variant of Uncertain Significance. This variant has not been reported in the literature in individuals affected with OFD1-related conditions. This variant is present in population databases (rs142703521, gnomAD 0.001%). This sequence change replaces alanine, which is neutral and non-polar, with valine, which is neutral and non-polar, at codon 817 of the OFD1 protein (p.Ala817Val).